The following is an entry in ClinVar:

ClinVar aggregate classification (germline): Uncertain significance (1 of 4 stars; one submission).

Submission:

Labcorp Genetics (formerly Invitae), Labcorp
Classification: Uncertain significance. Last evaluated: 2023-05-21. Review status: criteria provided, single submitter. Criteria: Invitae Variant Classification Sherloc (09022015). Collection method: clinical testing. Allele origin: germline.
Comment: This sequence change replaces proline, which is neutral and non-polar, with arginine, which is basic and polar, at codon 285 of the IL2RB protein (p.Pro285Arg). This variant is not present in population databases (gnomAD no frequency). This variant has not been reported in the literature in individuals affected with IL2RB-related conditions. An algorithm developed to predict the effect of missense changes on protein structure and function (PolyPhen-2) suggests that this variant is likely to be disruptive. In summary, the available evidence is currently insufficient to determine the role of this variant in disease. Therefore, it has been classified as a Variant of Uncertain Significance.

NM_000878.5(IL2RB):c.854C>G (p.Pro285Arg)

Gene: IL2RB (interleukin 2 receptor subunit beta; minus strand). Cytogenetic location: 22q12.3.
Variant type: single nucleotide variant.
Coding change: c.854C>G on transcript NM_000878.5 (MANE Select); coding-DNA position 854, C replaced by G.
Protein change: p.Pro285Arg; replaces proline 285 with arginine.
Molecular consequence: missense variant.
Genome position (GRCh38, 1-based): chr22:37,132,433, G>C on the plus strand (C>G on the coding strand, the complement: IL2RB is on the minus strand). VCF-style: chr22-37132433-G-C. GRCh37 (hg19) VCF-style: chr22-37528473-G-C.
Other names: c.854C>G, p.Pro285Arg (NM_001346222.1, NM_001346223.2); short protein forms P285R.
Identifiers: ClinVar variation 2866740 (VCV002866740.3), dbSNP rs2517835844, ClinGen allele CA411426532.